The following is an entry in ClinVar:

ClinVar aggregate classification (germline): Pathogenic (1 of 4 stars; one submission).

Conditions:
Multiple congenital exostosis (EXT). Also called: Hereditary multiple osteochondromas; MULTIPLE CARTILAGINOUS EXOSTOSES; Hereditary multiple exostoses; Hereditary multiple exostosis; Multiple osteochondromas; Multiple exostoses. Identifiers: Orphanet 321, MedGen C0015306, MONDO:0005508, HP:0002762.

Submission:

Labcorp Genetics (formerly Invitae), Labcorp
Classification: Pathogenic for Multiple congenital exostosis. Last evaluated: 2024-08-10. Review status: criteria provided, single submitter. Criteria: Invitae Variant Classification Sherloc (09022015). Collection method: clinical testing. Allele origin: germline.
Comment: This sequence change creates a premature translational stop signal (p.His329Metfs*29) in the EXT1 gene. It is expected to result in an absent or disrupted protein product. Loss-of-function variants in EXT1 are known to be pathogenic (PMID: 10679937, 11391482, 19810120). This variant is not present in population databases (gnomAD no frequency). This variant has not been reported in the literature in individuals affected with EXT1-related conditions. For these reasons, this variant has been classified as Pathogenic.

Literature cited by the submitters: PubMed 10679937; PubMed 11391482; PubMed 19810120.

NM_000127.3(EXT1):c.984_987del (p.His329fs)

Gene: EXT1 (exostosin glycosyltransferase 1; minus strand). Cytogenetic location: 8q24.11.
Variant type: Deletion.
Coding change: c.984_987del on transcript NM_000127.3 (MANE Select); coding-DNA positions 984 to 987, 4 bases deleted (GCAC; older notation c.984_987delGCAC).
Protein change: p.His329fs; shifts the reading frame from histidine 329.
Molecular consequence: frameshift variant.
Genome position (GRCh38, 1-based): chr8:117,837,177-117,837,180, GTGC deleted on the plus strand (GCAC on the coding strand, the reverse complement: EXT1 is on the minus strand). VCF-style (leftmost placement, unchanged base first): chr8-117837176-TGTGC-T. GRCh37 (hg19) VCF-style: chr8-118849415-TGTGC-T.
Other names: short protein forms H329fs.
Identifiers: ClinVar variation 3660129 (VCV003660129.2).